The following is an entry in ClinVar:

ClinVar aggregate classification (germline): Conflicting classifications of pathogenicity. Review status: criteria provided, conflicting classifications (1 of 4 stars). 7 submissions from 7 submitters: Uncertain significance (5); Likely benign (2). Last evaluated 2026-05-24.

Conditions:
Ehlers-Danlos syndrome, type 4 (EDSVASC). Also called: Ehlers-Danlos Syndrome Type IV; Ehlers-Danlos syndrome vascular type; Ehlers Danlos syndrome, ecchymotic type; Ehlers Danlos syndrome, arterial type; Ehlers Danlos syndrome, Sack-Barabas type. Identifiers: Orphanet 286, MedGen C0268338, MONDO:0017314, OMIM 130050.
Familial thoracic aortic aneurysm and aortic dissection (TAAD). Also called: Thoracic aortic aneurysms and dissections. Identifiers: Orphanet 91387, MedGen C4707243, MONDO:0019625.

Allele frequency attached by ClinVar (database versions not stated): gnomAD 0.00001; gnomAD exomes 0.00002 and 0.00007; TOPMed 0.00002; ExAC 0.00012.
gnomAD v4.1: 24 of 1,585,296 alleles (0.0015%); highest among the groups gnomAD compares: Admixed American, 0.029%; no homozygotes.

Submissions (7):

Ambry Genetics
Classification: Likely benign for Familial thoracic aortic aneurysm and aortic dissection. Last evaluated: 2026-05-24. Review status: criteria provided, single submitter. Criteria: Ambry Variant Classification Scheme 2023. Collection method: clinical testing. Allele origin: germline.

Labcorp Genetics (formerly Invitae), Labcorp
Classification: Uncertain significance for Ehlers-Danlos syndrome, type 4. Last evaluated: 2026-01-17. Review status: criteria provided, single submitter. Criteria: Invitae Variant Classification Sherloc (09022015). Collection method: clinical testing. Allele origin: germline.
Comment: This sequence change replaces arginine, which is basic and polar, with histidine, which is basic and polar, at codon 683 of the COL3A1 protein (p.Arg683His). This variant is present in population databases (rs753162027, gnomAD 0.05%). This variant has not been reported in the literature in individuals affected with COL3A1-related conditions. ClinVar contains an entry for this variant (Variation ID: 404285). Invitae Evidence Modeling of protein sequence and biophysical properties (such as structural, functional, and spatial information, amino acid conservation, physicochemical variation, residue mobility, and thermodynamic stability) has been performed for this missense variant. However, the output from this modeling did not meet the statistical confidence thresholds required to predict the impact of this variant on COL3A1 protein function. In summary, the available evidence is currently insufficient to determine the role of this variant in disease. Therefore, it has been classified as a Variant of Uncertain Significance.

Mayo Clinic Laboratories, Mayo Clinic
Classification: Uncertain significance. Last evaluated: 2025-02-11. Review status: criteria provided, single submitter. Criteria: ACMG Guidelines, 2015. Collection method: clinical testing. Allele origin: germline. Observed: 1 variant allele.
Comment: BS1, PP2, PP3_moderate

All of Us Research Program, National Institutes of Health
Classification: Uncertain significance for Ehlers-Danlos syndrome, type 4. Last evaluated: 2024-06-11. Review status: criteria provided, single submitter. Criteria: ACMG Guidelines, 2015. Collection method: clinical testing. Allele origin: germline. Inheritance: Autosomal dominant inheritance. Observed: 13 variant alleles, 13 heterozygotes.
Comment: This missense variant replaces arginine with histidine at codon 683 of the COL3A1 protein. Computational prediction suggests that this variant may have deleterious impact on protein structure and function (internally defined REVEL score threshold >= 0.7, PMID: 27666373). To our knowledge, functional studies have not been reported for this variant. This variant has not been reported in individuals affected with cardiovascular disorders in the literature. This variant has been identified in 15/200478 chromosomes (14/29112 Latino chromosomes) in the general population by the Genome Aggregation Database (gnomAD). The available evidence is insufficient to determine the role of this variant in disease conclusively. Therefore, this variant is classified as a Variant of Uncertain Significance.

This study involves interpretation of variants in research participants for the purpose of population health screening. Participant phenotype was not available at the time of variant classification. Additional details can be found in publication PMID: 35346344, PMCID: PMC8962531

Color Diagnostics, LLC DBA Color Health
Classification: Uncertain significance for Familial thoracic aortic aneurysm and aortic dissection. Last evaluated: 2024-03-06. Review status: criteria provided, single submitter. Criteria: ACMG Guidelines, 2015. Collection method: clinical testing. Allele origin: germline.
Comment: This missense variant replaces arginine with histidine at codon 683 of the COL3A1 protein. Computational prediction suggests that this variant may have deleterious impact on protein structure and function (internally defined REVEL score threshold >= 0.7, PMID: 27666373). To our knowledge, functional studies have not been reported for this variant. This variant has not been reported in individuals affected with cardiovascular disorders in the literature. This variant has been identified in 15/200478 chromosomes (14/29112 Latino chromosomes) in the general population by the Genome Aggregation Database (gnomAD). The available evidence is insufficient to determine the role of this variant in disease conclusively. Therefore, this variant is classified as a Variant of Uncertain Significance.

Women's Health and Genetics/Laboratory Corporation of America, LabCorp
Classification: Likely benign. Last evaluated: 2022-03-14. Review status: criteria provided, single submitter. Criteria: LabCorp Variant Classification Summary - May 2015. Collection method: clinical testing. Allele origin: germline.
Comment: Variant summary: COL3A1 c.2048G>A (p.Arg683His) results in a non-conservative amino acid change in the encoded protein sequence. Five of five in-silico tools predict a damaging effect of the variant on protein function. The variant allele was found at a frequency of 7.5e-05 in 200478 control chromosomes. The observed variant frequency is approximately 50 fold of the estimated maximal expected allele frequency for a pathogenic variant in COL3A1 causing Ehlers-Danlos Syndrome, Vascular Type phenotype (1.5e-06), strongly suggesting that the variant is benign. To our knowledge, no occurrence of c.2048G>A in individuals affected with Ehlers-Danlos Syndrome, Vascular Type and no experimental evidence demonstrating its impact on protein function have been reported. Three clinical diagnostic laboratories have submitted clinical-significance assessments for this variant to ClinVar after 2014 without evidence for independent evaluation. All laboratories classified the variant as uncertain significance. Based on the evidence outlined above, the variant was classified as likely benign.

GeneDx
Classification: Uncertain significance. Last evaluated: 2022-01-02. Review status: criteria provided, single submitter. Criteria: GeneDx Variant Classification Process June 2021. Collection method: clinical testing. Allele origin: germline. Affected: yes.
Comment: Has not been previously published as pathogenic or benign to our knowledge; In silico analysis supports that this missense variant has a deleterious effect on protein structure/function; Occurs in the triple helical domain at the Y position in the canonical Gly-X-Y repeat; although this variant may have an effect on normal protein folding and function, missense substitution at the Y position is not a common mechanism of disease (Stenson et al., 2014); Reported in ClinVar as a variant of uncertain significance (ClinVar Variant ID# 404285; Landrum et al., 2016)

NM_000090.4(COL3A1):c.2048G>A (p.Arg683His)

Gene: COL3A1 (collagen type III alpha 1 chain; plus strand). Cytogenetic location: 2q32.2.
Variant type: single nucleotide variant.
Coding change: c.2048G>A on transcript NM_000090.4 (MANE Select); coding-DNA position 2048, G replaced by A.
Protein change: p.Arg683His; replaces arginine 683 with histidine.
Molecular consequence: missense variant.
Genome position (GRCh38, 1-based): chr2:188,999,310, G>A. VCF-style: chr2-188999310-G-A. GRCh37 (hg19) VCF-style: chr2-189864036-G-A.
Other names: p.Arg683His; short protein forms R683H.
Identifiers: ClinVar variation 404285 (VCV000404285.24), dbSNP rs753162027, ClinGen allele CA074957.